The following is an entry in ClinVar:

ClinVar aggregate classification (germline): Uncertain significance. Review status: criteria provided, multiple submitters, no conflicts (2 of 4 stars). 2 submissions from 2 submitters: Uncertain significance (2). Last evaluated 2024-07-24.

Conditions:
Hereditary cancer-predisposing syndrome. Also called: Neoplastic Syndromes, Hereditary; Tumor predisposition; Hereditary Cancer Syndrome; Hereditary neoplastic syndrome. Identifiers: Orphanet 140162, MedGen C0027672, MeSH D009386, MONDO:0015356.

Submissions (2):

Labcorp Genetics (formerly Invitae), Labcorp
Classification: Uncertain significance. Last evaluated: 2024-07-24. Review status: criteria provided, single submitter. Criteria: Invitae Variant Classification Sherloc (09022015). Collection method: clinical testing. Allele origin: germline.
Comment: This sequence change replaces aspartic acid, which is acidic and polar, with valine, which is neutral and non-polar, at codon 1244 of the POLE protein (p.Asp1244Val). This variant is not present in population databases (gnomAD no frequency). This variant has not been reported in the literature in individuals affected with POLE-related conditions. ClinVar contains an entry for this variant (Variation ID: 1734396). Advanced modeling of protein sequence and biophysical properties (such as structural, functional, and spatial information, amino acid conservation, physicochemical variation, residue mobility, and thermodynamic stability) performed at Invitae indicates that this missense variant is not expected to disrupt POLE protein function with a negative predictive value of 80%. In summary, the available evidence is currently insufficient to determine the role of this variant in disease. Therefore, it has been classified as a Variant of Uncertain Significance.

Ambry Genetics
Classification: Uncertain significance for Hereditary cancer-predisposing syndrome. Last evaluated: 2022-01-12. Review status: criteria provided, single submitter. Criteria: Ambry Variant Classification Scheme 2023. Collection method: clinical testing. Allele origin: germline.
Comment: The p.D1244V variant (also known as c.3731A>T), located in coding exon 30 of the POLE gene, results from an A to T substitution at nucleotide position 3731. The aspartic acid at codon 1244 is replaced by valine, an amino acid with highly dissimilar properties. This amino acid position is conserved. In addition, this alteration is predicted to be tolerated by in silico analysis. Since supporting evidence is limited at this time, the clinical significance of this alteration remains unclear.

NM_006231.4(POLE):c.3731A>T (p.Asp1244Val)

Gene: POLE (DNA polymerase epsilon, catalytic subunit; minus strand). Cytogenetic location: 12q24.33.
Variant type: single nucleotide variant.
Coding change: c.3731A>T on transcript NM_006231.4 (MANE Select); coding-DNA position 3731, A replaced by T.
Protein change: p.Asp1244Val; replaces aspartic acid 1244 with valine.
Molecular consequence: missense variant.
Genome position (GRCh38, 1-based): chr12:132,649,741, T>A on the plus strand (A>T on the coding strand, the complement: POLE is on the minus strand). VCF-style: chr12-132649741-T-A. GRCh37 (hg19) VCF-style: chr12-133226327-T-A.
Other names: short protein forms D1244V.
Identifiers: ClinVar variation 1734396 (VCV001734396.5), dbSNP rs1593750985, ClinGen allele CA387386270.
Genomic context (GRCh38, chr12:132,649,741, plus strand): 5'-CTGGTTCCCAGGGCGGGAGGCTGCCCCAAGATTTCCTGCCAGGGCACAGTCGGCGTGAGG[T>A]CCTGGGACTCCTCCTGGCTCTCCCAAAGAACTCGCTTCCTCTTCACAGTGACAGGGGCTG-3'
Protein context (NP_006222.2, residues 1234-1254): VLWESQEESQ[Asp1244Val]LTPTVPWQEI